The following is an entry in ClinVar:

ClinVar aggregate classification (germline): Uncertain significance (1 of 4 stars; one submission).

Allele frequency attached by ClinVar (database versions not stated): gnomAD exomes below 0.00001; TOPMed 0.00001.

Submission:

Institute for Clinical Genetics, University Hospital TU Dresden, University Hospital TU Dresden
Classification: Uncertain significance. Last evaluated: 2023-04-25. Review status: criteria provided, single submitter. Criteria: ACMG Guidelines, 2015. Collection method: clinical testing. Allele origin: germline.
Comment: PM2_SUP, PP2, BP4

NM_001322934.2(NFKB2):c.514C>T (p.Arg172Trp)

Gene: NFKB2 (nuclear factor kappa B subunit 2; plus strand). Cytogenetic location: 10q24.32.
Variant type: single nucleotide variant.
Coding change: c.514C>T on transcript NM_001322934.2 (MANE Select); coding-DNA position 514, C replaced by T.
Protein change: p.Arg172Trp; replaces arginine 172 with tryptophan.
Molecular consequence: missense variant.
Genome position (GRCh38, 1-based): chr10:102,397,538, C>T. VCF-style: chr10-102397538-C-T. GRCh37 (hg19) VCF-style: chr10-104157295-C-T.
Other names: c.514C>T, p.Arg172Trp (NM_001077494.3, NM_001261403.3, NM_001288724.1 and 3 more transcripts); short protein forms R172W.
Identifiers: ClinVar variation 2576104 (VCV002576104.1), dbSNP rs1313427478, ClinGen allele CA377896885.